The following is an entry in ClinVar:

NM_001079872.2(CUL4B):c.1571A>G (p.Asn524Ser)

Gene: CUL4B (cullin 4B; minus strand). Cytogenetic location: Xq24.
Variant type: single nucleotide variant.
Coding change: c.1571A>G on transcript NM_001079872.2 (MANE Select); coding-DNA position 1571, A replaced by G.
Protein change: p.Asn524Ser; replaces asparagine 524 with serine.
Molecular consequence: missense variant.
Genome position (GRCh38, 1-based): chrX:120,540,435, T>C on the plus strand (A>G on the coding strand, the complement: CUL4B is on the minus strand). VCF-style: chrX-120540435-T-C. GRCh37 (hg19) VCF-style: chrX-119674290-T-C.
Other names: c.1586A>G, p.Asn529Ser (NM_001330624.2); c.1037A>G, p.Asn346Ser (NM_001369145.1); c.1625A>G, p.Asn542Ser (NM_003588.4); short protein forms N529S, N346S, N524S, N542S.
Identifiers: ClinVar variation 4055940 (VCV004055940.2).

ClinVar aggregate classification (germline): Uncertain significance. Review status: criteria provided, multiple submitters, no conflicts (2 of 4 stars). 2 submissions from 2 submitters: Uncertain significance (2). Last evaluated 2025-12-26.

Conditions:
CUL4B-related disorder. Also called: CUL4B-related condition.

gnomAD v4.1: 1 of 1,208,595 alleles (0.000083%); highest among the groups gnomAD compares: Non-Finnish European, 0.00011%; no homozygotes.

Submissions (2):

PreventionGenetics, part of Exact Sciences
Classification: Uncertain significance for CUL4B-related condition. Last evaluated: 2025-12-26. Review status: criteria provided, single submitter. Criteria: ACMG Guidelines, 2015. Collection method: clinical testing. Allele origin: germline.
Comment: The CUL4B c.1625A>G variant is predicted to result in the amino acid substitution p.Asn542Ser. To our knowledge, this variant has not been reported in the literature or in a large population database (gnomAD), indicating this variant is rare. At this time, the clinical significance of this variant is uncertain due to the absence of conclusive functional and genetic evidence.

GeneDx
Classification: Uncertain significance. Last evaluated: 2025-01-05. Review status: criteria provided, single submitter. Criteria: GeneDx Variant Classification Process June 2021. Collection method: clinical testing. Allele origin: germline. Affected: yes.
Comment: Not observed at significant frequency in large population cohorts (gnomAD); In silico analysis supports that this missense variant has a deleterious effect on protein structure/function; Has not been previously published as pathogenic or benign to our knowledge